The following is an entry in ClinVar:

NM_000396.4(CTSK):c.976T>G (p.Phe326Val)

Gene: CTSK (cathepsin K; minus strand). Cytogenetic location: 1q21.3.
Variant type: single nucleotide variant.
Coding change: c.976T>G on transcript NM_000396.4 (MANE Select); coding-DNA position 976, T replaced by G.
Protein change: p.Phe326Val; replaces phenylalanine 326 with valine.
Molecular consequence: missense variant.
Genome position (GRCh38, 1-based): chr1:150,796,813, A>C on the plus strand (T>G on the coding strand, the complement: CTSK is on the minus strand). VCF-style: chr1-150796813-A-C. GRCh37 (hg19) VCF-style: chr1-150769289-A-C.
Other names: short protein forms F326V.
Identifiers: ClinVar variation 1434189 (VCV001434189.6), dbSNP rs2101945936, ClinGen allele CA342335368.

ClinVar aggregate classification (germline): Uncertain significance (1 of 4 stars; one submission).

Submission:

Labcorp Genetics (formerly Invitae), Labcorp
Classification: Uncertain significance. Last evaluated: 2021-12-14. Review status: criteria provided, single submitter. Criteria: Invitae Variant Classification Sherloc (09022015). Collection method: clinical testing. Allele origin: germline.
Comment: In summary, the available evidence is currently insufficient to determine the role of this variant in disease. Therefore, it has been classified as a Variant of Uncertain Significance. Advanced modeling of protein sequence and biophysical properties (such as structural, functional, and spatial information, amino acid conservation, physicochemical variation, residue mobility, and thermodynamic stability) performed at Invitae indicates that this missense variant is expected to disrupt CTSK protein function. This variant has not been reported in the literature in individuals affected with CTSK-related conditions. This variant is not present in population databases (gnomAD no frequency). This sequence change replaces phenylalanine, which is neutral and non-polar, with valine, which is neutral and non-polar, at codon 326 of the CTSK protein (p.Phe326Val).